The following is an entry in ClinVar:

NM_000256.3(MYBPC3):c.917G>A (p.Arg306Gln)

Gene: MYBPC3 (myosin binding protein C3; minus strand). Cytogenetic location: 11p11.2.
Variant type: single nucleotide variant.
Coding change: c.917G>A on transcript NM_000256.3 (MANE Select); coding-DNA position 917, G replaced by A.
Protein change: p.Arg306Gln; replaces arginine 306 with glutamine.
Molecular consequence: missense variant.
Genome position (GRCh38, 1-based): chr11:47,346,636, C>T on the plus strand (G>A on the coding strand, the complement: MYBPC3 is on the minus strand). VCF-style: chr11-47346636-C-T. GRCh37 (hg19) VCF-style: chr11-47368187-C-T.
Other names: p.R306Q:CGG>CAG; short protein forms R306Q.
Identifiers: ClinVar variation 42802 (VCV000042802.16), dbSNP rs373204728, ClinGen allele CA016081.

ClinVar aggregate classification (germline): Conflicting classifications of pathogenicity. Review status: criteria provided, conflicting classifications (1 of 4 stars). 6 submissions from 6 submitters: Uncertain significance (4); Likely benign (2). Last evaluated 2025-11-06.

Conditions:
Cardiovascular phenotype. Identifiers: MedGen CN230736.
Cardiomyopathy (CMYO). Also called: Cardiomyopathies. Identifiers: Orphanet 167848, MedGen C0878544, MONDO:0004994, HP:0001638. Inheritance: Various modes of inheritance.
Hypertrophic cardiomyopathy. Also called: HYPERTROPHIC MYOCARDIOPATHY. Identifiers: Orphanet 217569, MedGen C0007194, MeSH D002312, MONDO:0005045, HP:0001639.

Allele frequency attached by ClinVar (database versions not stated): gnomAD 0.00001 and 0.00002; gnomAD exomes 0.00002 and 0.00003; TOPMed 0.00003; ExAC 0.00004; ESP Exome Variant Server 0.00008.

Submissions (6):

Color Diagnostics, LLC DBA Color Health
Classification: Likely benign for Cardiomyopathy. Last evaluated: 2025-11-06. Review status: criteria provided, single submitter. Criteria: ACMG Guidelines, 2015. Collection method: clinical testing. Allele origin: germline.

Ambry Genetics
Classification: Likely benign for Cardiovascular phenotype. Last evaluated: 2025-03-04. Review status: criteria provided, single submitter. Criteria: Ambry Variant Classification Scheme 2023. Collection method: clinical testing. Allele origin: germline.

Labcorp Genetics (formerly Invitae), Labcorp
Classification: Uncertain significance for Hypertrophic cardiomyopathy. Last evaluated: 2024-08-04. Review status: criteria provided, single submitter. Criteria: Invitae Variant Classification Sherloc (09022015). Collection method: clinical testing. Allele origin: germline.
Comment: This sequence change replaces arginine, which is basic and polar, with glutamine, which is neutral and polar, at codon 306 of the MYBPC3 protein (p.Arg306Gln). This variant is present in population databases (rs373204728, gnomAD 0.01%). This missense change has been observed in individual(s) with clinical features of dilated cardiomyopathy (PMID: 27532257). ClinVar contains an entry for this variant (Variation ID: 42802). An algorithm developed to predict the effect of missense changes on protein structure and function (PolyPhen-2) suggests that this variant¬†is likely to be tolerated. In summary, the available evidence is currently insufficient to determine the role of this variant in disease. Therefore, it has been classified as a Variant of Uncertain Significance.

GeneDx
Classification: Uncertain significance. Last evaluated: 2024-07-15. Review status: criteria provided, single submitter. Criteria: GeneDx Variant Classification Process June 2021. Collection method: clinical testing. Allele origin: germline. Affected: yes.
Comment: Identified in a patient with cardiomyopathy in published literature (PMID: 27532257); In silico analysis indicates that this missense variant does not alter protein structure/function; This variant is associated with the following publications: (PMID: 31983221, 27532257)

Blueprint Genetics
Classification: Uncertain significance. Last evaluated: 2023-08-23. Review status: criteria provided, single submitter. Criteria: ACMG Guidelines, 2015. Collection method: clinical testing. Allele origin: germline.

Laboratory for Molecular Medicine, Mass General Brigham Personalized Medicine
Classification: Uncertain significance. Last evaluated: 2014-02-11. Review status: criteria provided, single submitter. Criteria: LMM Criteria. Collection method: clinical testing. Allele origin: germline. Observed: 3 variant alleles.
Comment: Variant classified as Uncertain Significance - Favor Benign. The Arg306Gln varia nt in MYBPC3 has now been identified by our laboratory in one individual with DC M and one individual with HCM. It has also been identified in 1/4036 African Am erican chromosomes by the NHLBI Exome Sequencing Project. Arginine (Arg) at position 306 is not evolutionarily conserved and the change to glutamine (Gln) was predicted to be benign using a computational tool clinically validated by our laboratory. This tool's benign prediction is estimat ed to be correct 89% of the time (Jordan 2011). Although these data support that the Arg306Gln variant is more likely benign, additional information is needed t o fully assess the clinical significance of this variant.

Literature cited by the submitters: PubMed 24503780 (cited by Ambry Genetics); PubMed 27532257 (cited by Ambry Genetics and Labcorp Genetics (formerly Invitae), Labcorp).